The following is an entry in ClinVar:

NM_022552.5(DNMT3A):c.640-3678G>C

Gene: DNMT3A (DNA methyltransferase 3 alpha; minus strand). Cytogenetic location: 2p23.3.
Variant type: single nucleotide variant.
Coding change: c.640-3678G>C on transcript NM_022552.5 (MANE Select); 3678 bases into the intron before coding-DNA position 640, G replaced by C.
Molecular consequence: intron variant. On other transcripts: synonymous variant (1).
Genome position (GRCh38, 1-based): chr2:25,251,930, C>G on the plus strand (G>C on the coding strand, the complement: DNMT3A is on the minus strand). VCF-style: chr2-25251930-C-G. GRCh37 (hg19) VCF-style: chr2-25474799-C-G.
Other names: c.165G>C, p.Arg55= (NM_001320893.1); c.640-3678G>C (NM_175629.2); c.4+264G>C (NM_153759.3); c.-31+264G>C (NM_001375819.1).
Identifiers: ClinVar variation 3354547 (VCV003354547.1).

ClinVar aggregate classification (germline): Likely benign (0 of 4 stars; one submission).

Conditions:
DNMT3A-related disorder. Also called: DNMT3A-related disorders; DNMT3A-related condition.

gnomAD v4.1: 2 of 480,246 alleles (0.00042%); highest among the groups gnomAD compares: Admixed American, 0.0082%; no homozygotes.

Submission:

PreventionGenetics, part of Exact Sciences
Classification: Likely benign for DNMT3A-related condition. Last evaluated: 2024-05-22. Review status: no assertion criteria provided. Collection method: clinical testing. Allele origin: germline.
Comment: This variant is classified as likely benign based on ACMG/AMP sequence variant interpretation guidelines (Richards et al. 2015 PMID: 25741868, with internal and published modifications).